The following is an entry in ClinVar:

NM_000170.3(GLDC):c.2013T>A (p.Asp671Glu)

Gene: GLDC (glycine decarboxylase; minus strand). Cytogenetic location: 9p24.1.
Variant type: single nucleotide variant.
Coding change: c.2013T>A on transcript NM_000170.3 (MANE Select); coding-DNA position 2013, T replaced by A.
Protein change: p.Asp671Glu; replaces aspartic acid 671 with glutamic acid.
Molecular consequence: missense variant.
Genome position (GRCh38, 1-based): chr9:6,558,598, A>T on the plus strand (T>A on the coding strand, the complement: GLDC is on the minus strand). VCF-style: chr9-6558598-A-T. GRCh37 (hg19) VCF-style: chr9-6558598-A-T.
Other names: short protein forms D671E.
Identifiers: ClinVar variation 1063838 (VCV001063838.10), dbSNP rs762425284, ClinGen allele CA4980444.
Genomic context (GRCh38, chr9:6,558,598, plus strand): 5'-TGCTAAGGAGAAGACAAGTACCATGGCCTTGAGGTGAACTGCATCGATATTCCCATATTT[A>T]TCCACCTCCACAGGCTGAATCTTCATGCCTGCCATGTGGGCACTTGCTGGGTTGGTCCCA-3'
Protein context (NP_000161.2, residues 661-681): AGMKIQPVEV[Asp671Glu]KYGNIDAVHL

ClinVar aggregate classification (germline): Uncertain significance. Review status: criteria provided, multiple submitters, no conflicts (2 of 4 stars). 3 submissions from 3 submitters: Uncertain significance (2). 1 of the submissions does not count toward it. Last evaluated 2022-06-22.

Conditions:
Glycine encephalopathy. Also called: Nonketotic hyperglycinemia; Non-ketotic hyperglycinemia. Identifiers: Orphanet 407, MedGen C0751748, MONDO:0011612, HP:0008288.

Allele frequency attached by ClinVar (database versions not stated): ExAC 0.00001; gnomAD exomes 0.00001.
gnomAD v4.1: 12 of 1,614,084 alleles (0.00074%); highest among the groups gnomAD compares: Non-Finnish European, 0.001%; no homozygotes.

Submissions (3):

Labcorp Genetics (formerly Invitae), Labcorp
Classification: Uncertain significance for Glycine encephalopathy. Last evaluated: 2022-06-22. Review status: criteria provided, single submitter. Criteria: Invitae Variant Classification Sherloc (09022015). Collection method: clinical testing. Allele origin: germline.
Comment: This sequence change replaces aspartic acid, which is acidic and polar, with glutamic acid, which is acidic and polar, at codon 671 of the GLDC protein (p.Asp671Glu). This variant is present in population databases (rs762425284, gnomAD 0.002%). This variant has not been reported in the literature in individuals affected with GLDC-related conditions. ClinVar contains an entry for this variant (Variation ID: 1063838). Advanced modeling of protein sequence and biophysical properties (such as structural, functional, and spatial information, amino acid conservation, physicochemical variation, residue mobility, and thermodynamic stability) performed at Invitae indicates that this missense variant is not expected to disrupt GLDC protein function. In summary, the available evidence is currently insufficient to determine the role of this variant in disease. Therefore, it has been classified as a Variant of Uncertain Significance.

Fulgent Genetics
Classification: Uncertain significance for Glycine encephalopathy 1. Last evaluated: 2021-09-03. Review status: criteria provided, single submitter. Criteria: ACMG Guidelines, 2015. Collection method: clinical testing. Allele origin: unknown.

Natera, Inc.
Classification: Uncertain significance for Non-ketotic hyperglycinemia. Last evaluated: 2020-02-26. Review status: no assertion criteria provided. Collection method: clinical testing. Allele origin: germline. Not counted in ClinVar's aggregate classification.